The following is an entry in ClinVar:

ClinVar aggregate classification (germline): Uncertain significance. Review status: criteria provided, multiple submitters, no conflicts (2 of 4 stars). 4 submissions from 4 submitters: Uncertain significance (4). Last evaluated 2026-05-27.

Conditions:
LZTFL1-related disorder. Also called: LZTFL1-related condition.
Bardet-Biedl syndrome 17 (BBS17). Identifiers: Orphanet 110, MedGen C3714980, MONDO:0014445, OMIM 615994.

Allele frequency attached by ClinVar (database versions not stated): gnomAD exomes below 0.00001 and 0.00002; gnomAD 0.00001; TOPMed 0.00001.
gnomAD v4.1: 35 of 1,613,142 alleles (0.0022%); highest among the groups gnomAD compares: Non-Finnish European, 0.0029%; no homozygotes.

Submissions (4):

PreventionGenetics, part of Exact Sciences
Classification: Uncertain significance for LZTFL1-related condition. Last evaluated: 2026-05-27. Review status: criteria provided, single submitter. Criteria: ACMG Guidelines, 2015. Collection method: clinical testing. Allele origin: germline.
Comment: The LZTFL1 c.401C>T variant is predicted to result in the amino acid substitution p.Thr134Ile. To our knowledge, this variant has not been reported in the literature. This variant is reported in 0.00088% of alleles in individuals of European (Non-Finnish) descent in gnomAD. At this time, the clinical significance of this variant is uncertain due to the absence of conclusive functional and genetic evidence.

Fulgent Genetics
Classification: Uncertain significance for Bardet-Biedl syndrome 17. Last evaluated: 2024-01-04. Review status: criteria provided, single submitter. Criteria: ACMG Guidelines, 2015. Collection method: clinical testing. Allele origin: germline.

Blueprint Genetics
Classification: Uncertain significance. Last evaluated: 2023-08-14. Review status: criteria provided, single submitter. Criteria: ACMG Guidelines, 2015. Collection method: clinical testing. Allele origin: germline.

Labcorp Genetics (formerly Invitae), Labcorp
Classification: Uncertain significance. Last evaluated: 2022-09-13. Review status: criteria provided, single submitter. Criteria: Invitae Variant Classification Sherloc (09022015). Collection method: clinical testing. Allele origin: germline.
Comment: This sequence change replaces threonine, which is neutral and polar, with isoleucine, which is neutral and non-polar, at codon 134 of the LZTFL1 protein (p.Thr134Ile). This variant is present in population databases (no rsID available, gnomAD 0.0009%). This variant has not been reported in the literature in individuals affected with LZTFL1-related conditions. ClinVar contains an entry for this variant (Variation ID: 1058140). Advanced modeling of protein sequence and biophysical properties (such as structural, functional, and spatial information, amino acid conservation, physicochemical variation, residue mobility, and thermodynamic stability) performed at Invitae indicates that this missense variant is not expected to disrupt LZTFL1 protein function. In summary, the available evidence is currently insufficient to determine the role of this variant in disease. Therefore, it has been classified as a Variant of Uncertain Significance.

NM_020347.4(LZTFL1):c.401C>T (p.Thr134Ile)

Gene: LZTFL1 (leucine zipper transcription factor like 1; minus strand). Cytogenetic location: 3p21.31.
Variant type: single nucleotide variant.
Coding change: c.401C>T on transcript NM_020347.4 (MANE Select); coding-DNA position 401, C replaced by T.
Protein change: p.Thr134Ile; replaces threonine 134 with isoleucine.
Molecular consequence: missense variant. On other transcripts: non-coding transcript variant (1).
Genome position (GRCh38, 1-based): chr3:45,833,105, G>A on the plus strand (C>T on the coding strand, the complement: LZTFL1 is on the minus strand). VCF-style: chr3-45833105-G-A. GRCh37 (hg19) VCF-style: chr3-45874597-G-A.
Other names: c.350C>T, p.Thr117Ile (NM_001276378.2, NM_001386451.1); c.389C>T, p.Thr130Ile (NM_001276379.2); c.401C>T, p.Thr134Ile (NM_001386452.1); c.401C>T (NM_020347.3); short protein forms T117I, T130I, T134I.
Identifiers: ClinVar variation 1058140 (VCV001058140.5), dbSNP rs1177169861, ClinGen allele CA352451697.